The following is an entry in ClinVar:

ClinVar aggregate classification (germline): Uncertain significance (1 of 4 stars; one submission).

Submission:

GeneDx
Classification: Uncertain significance. Last evaluated: 2025-05-19. Review status: criteria provided, single submitter. Criteria: GeneDx Variant Classification Process June 2021. Collection method: clinical testing. Allele origin: germline. Affected: yes.
Comment: Not observed at significant frequency in large population cohorts (gnomAD); In silico analysis suggests that this missense variant does not alter protein structure/function; Has not been previously published as pathogenic or benign to our knowledge

NM_020987.5(ANK3):c.8699T>C (p.Val2900Ala)

Gene: ANK3 (ankyrin 3; minus strand). Cytogenetic location: 10q21.2.
Variant type: single nucleotide variant.
Coding change: c.8699T>C on transcript NM_020987.5 (MANE Select); coding-DNA position 8699, T replaced by C.
Protein change: p.Val2900Ala; replaces valine 2900 with alanine.
Molecular consequence: missense variant. On other transcripts: intron variant (4).
Genome position (GRCh38, 1-based): chr10:60,072,182, A>G on the plus strand (T>C on the coding strand, the complement: ANK3 is on the minus strand). VCF-style: chr10-60072182-A-G. GRCh37 (hg19) VCF-style: chr10-61831940-A-G.
Other names: c.4388-4173T>C (NM_001204403.2); c.4409-4173T>C (NM_001204404.2); c.4406-4173T>C (NM_001320874.2); c.1808-4173T>C (NM_001149.4); short protein forms V2900A.
Identifiers: ClinVar variation 4531104 (VCV004531104.1).